The following is an entry in ClinVar:

ClinVar aggregate classification (germline): Uncertain significance (1 of 4 stars; one submission).

Conditions:
EGFR-related lung cancer (EGFR). Identifiers: MedGen CN130014.

Submission:

Labcorp Genetics (formerly Invitae), Labcorp
Classification: Uncertain significance for EGFR-related lung cancer. Last evaluated: 2022-03-08. Review status: criteria provided, single submitter. Criteria: Invitae Variant Classification Sherloc (09022015). Collection method: clinical testing. Allele origin: germline.
Comment: This sequence change falls in intron 19 of the EGFR gene. It does not directly change the encoded amino acid sequence of the EGFR protein. It affects a nucleotide within the consensus splice site. This variant is not present in population databases (gnomAD no frequency). In summary, the available evidence is currently insufficient to determine the role of this variant in disease. Therefore, it has been classified as a Variant of Uncertain Significance. Variants that disrupt the consensus splice site are a relatively common cause of aberrant splicing (PMID: 17576681, 9536098). Algorithms developed to predict the effect of sequence changes on RNA splicing suggest that this variant may create or strengthen a splice site. This variant has not been reported in the literature in individuals affected with EGFR-related conditions.

Literature cited by the submitters: PubMed 17576681; PubMed 9536098.

NM_005228.5(EGFR):c.2284-3C>A

Genes: EGFR-AS1 (EGFR antisense RNA 1; minus strand), EGFR (epidermal growth factor receptor; plus strand). Cytogenetic location: 7p11.2.
Variant type: single nucleotide variant.
Coding change: c.2284-3C>A on transcript NM_005228.5 (MANE Select); 3 bases into the intron before coding-DNA position 2284, C replaced by A.
Molecular consequence: intron variant. On other transcripts: non-coding transcript variant (1).
Genome position (GRCh38, 1-based): chr7:55,181,290, C>A. VCF-style: chr7-55181290-C-A. GRCh37 (hg19) VCF-style: chr7-55248983-C-A.
Other names: c.2149-3C>A (NM_001346899.2, NM_001346897.2); c.1483-3C>A (NM_001346941.2); c.2284-3C>A (NM_001346898.2); c.2125-3C>A (NM_001346900.2).
Identifiers: ClinVar variation 2086655 (VCV002086655.4), dbSNP rs1379173725, ClinGen allele CA455165008.
Genomic context (GRCh38, chr7:55,181,290, plus strand): 5'-CCATGTGCCCCTCCTTCTGGCCACCATGCGAAGCCACACTGACGTGCCTCTCCCTCCCTC[C>A]AGGAAGCCTACGTGATGGCCAGCGTGGACAACCCCCACGTGTGCCGCCTGCTGGGCATCT-3'